The following is an entry in ClinVar:

ClinVar aggregate classification (germline): Likely benign (1 of 4 stars; one submission).

Conditions:
CDKL5-related disorder.

Submission:

PreventionGenetics, part of Exact Sciences
Classification: Likely benign for CDKL5-related condition. Last evaluated: 2025-03-10. Review status: criteria provided, single submitter. Criteria: ACMG Guidelines, 2015. Collection method: clinical testing. Allele origin: germline.
Comment: This variant is classified as likely benign based on ACMG/AMP sequence variant interpretation guidelines (Richards et al. 2015 PMID: 25741868, with internal and published modifications).

NM_003159.2(CDKL5):c.-253A>G

Gene: CDKL5 (cyclin dependent kinase like 5; plus strand). Cytogenetic location: Xp22.13.
Variant type: single nucleotide variant.
Coding change: c.-253A>G on transcript NM_003159.2; 253 bases upstream of the start codon, A replaced by G.
Genome position (GRCh38, 1-based): chrX:18,425,605, A>G. VCF-style: chrX-18425605-A-G. GRCh37 (hg19) VCF-style: chrX-18443725-A-G.
Identifiers: ClinVar variation 4978990 (VCV004978990.1).